The following is an entry in ClinVar:

ClinVar aggregate classification (germline): Likely pathogenic. Review status: criteria provided, multiple submitters, no conflicts (2 of 4 stars). 2 submissions from 2 submitters: Likely pathogenic (2). Last evaluated 2025-09-24.

Conditions:
Dilated cardiomyopathy 1S (CMD1S). Identifiers: Orphanet 154, Orphanet 54260, MedGen C1834481, MONDO:0013262, OMIM 613426.
Hypertrophic cardiomyopathy. Also called: HYPERTROPHIC MYOCARDIOPATHY. Identifiers: Orphanet 217569, MedGen C0007194, MeSH D002312, MONDO:0005045, HP:0001639.

Submissions (2):

Genesolutions, Medical Genetics Institutes, Ho Chi Minh City, Vietnam
Classification: Likely pathogenic for Dilated cardiomyopathy 1S. Last evaluated: 2025-09-24. Review status: criteria provided, single submitter. Criteria: ACMG Guidelines, 2015. Collection method: clinical testing. Allele origin: germline. Affected: yes.

Labcorp Genetics (formerly Invitae), Labcorp
Classification: Likely pathogenic for Hypertrophic cardiomyopathy. Last evaluated: 2023-07-14. Review status: criteria provided, single submitter. Criteria: Invitae Variant Classification Sherloc (09022015). Collection method: clinical testing. Allele origin: germline.
Comment: This variant disrupts the p.Trp816 amino acid residue in MYH7. Other variant(s) that disrupt this residue have been determined to be pathogenic (Invitae). This suggests that this residue is clinically significant, and that variants that disrupt this residue are likely to be disease-causing. In summary, the currently available evidence indicates that the variant is pathogenic, but additional data are needed to prove that conclusively. Therefore, this variant has been classified as Likely Pathogenic. Advanced modeling of protein sequence and biophysical properties (such as structural, functional, and spatial information, amino acid conservation, physicochemical variation, residue mobility, and thermodynamic stability) performed at Invitae indicates that this missense variant is expected to disrupt MYH7 protein function. ClinVar contains an entry for this variant (Variation ID: 1997857). This variant has not been reported in the literature in individuals affected with MYH7-related conditions. This variant is not present in population databases (gnomAD no frequency). This sequence change replaces tryptophan, which is neutral and slightly polar, with cysteine, which is neutral and slightly polar, at codon 816 of the MYH7 protein (p.Trp816Cys).

NM_000257.4(MYH7):c.2448G>C (p.Trp816Cys)

Genes: MYH7 (myosin heavy chain 7; minus strand), LOC126861898 (BRD4-independent group 4 enhancer GRCh37_chr14:23893609-23894808; plus strand). Cytogenetic location: 14q11.2.
Variant type: single nucleotide variant.
Coding change: c.2448G>C on transcript NM_000257.4 (MANE Select); coding-DNA position 2448, G replaced by C.
Protein change: p.Trp816Cys; replaces tryptophan 816 with cysteine.
Molecular consequence: missense variant.
Genome position (GRCh38, 1-based): chr14:23,425,000, C>G on the plus strand (G>C on the coding strand, the complement: MYH7 is on the minus strand). VCF-style: chr14-23425000-C-G. GRCh37 (hg19) VCF-style: chr14-23894209-C-G.
Other names: c.2448G>C, p.Trp816Cys (NM_001407004.1); short protein forms W816C.
Identifiers: ClinVar variation 1997857 (VCV001997857.5), dbSNP rs2502284266, ClinGen allele CA389048389.